The following is an entry in ClinVar:

NM_001378454.1(ALMS1):c.8991G>C (p.Lys2997Asn)

Gene: ALMS1 (ALMS1 centrosome and basal body associated protein; plus strand). Cytogenetic location: 2p13.1.
Variant type: single nucleotide variant.
Coding change: c.8991G>C on transcript NM_001378454.1 (MANE Select); coding-DNA position 8991, G replaced by C.
Protein change: p.Lys2997Asn; replaces lysine 2997 with asparagine.
Molecular consequence: missense variant.
Genome position (GRCh38, 1-based): chr2:73,490,950, G>C. VCF-style: chr2-73490950-G-C. GRCh37 (hg19) VCF-style: chr2-73718077-G-C.
Other names: c.8994G>C, p.Lys2998Asn (NM_015120.4); short protein forms K2998N, K2997N.
Identifiers: ClinVar variation 1765365 (VCV001765365.2), dbSNP rs1488907296, ClinGen allele CA347272166.

ClinVar aggregate classification (germline): Uncertain significance (1 of 4 stars; one submission).

Conditions:
Cardiovascular phenotype. Identifiers: MedGen CN230736.

Allele frequency attached by ClinVar (database versions not stated): gnomAD 0.00001; TOPMed 0.00001.
gnomAD v4.1: 2 of 1,614,056 alleles (0.00012%); highest among the groups gnomAD compares: African/African-American, 0.0027%; no homozygotes.

Submission:

Ambry Genetics
Classification: Uncertain significance for Cardiovascular phenotype. Last evaluated: 2020-01-10. Review status: criteria provided, single submitter. Criteria: Ambry Variant Classification Scheme 2023. Collection method: clinical testing. Allele origin: germline.
Comment: The p.K2998N variant (also known as c.8994G>C), located in coding exon 10 of the ALMS1 gene, results from a G to C substitution at nucleotide position 8994. The lysine at codon 2998 is replaced by asparagine, an amino acid with similar properties. This amino acid position is well conserved in available vertebrate species; however, aspargine is the reference amino acid in other vertebrate species. In addition, this alteration is predicted to be tolerated by in silico analysis. Since supporting evidence is limited at this time, the clinical significance of this alteration remains unclear.